The following is an entry in ClinVar:

ClinVar aggregate classification (germline): Uncertain significance (1 of 4 stars; one submission).

Conditions:
Agammaglobulinemia 3, autosomal recessive (AGM3). Also called: AGAMMAGLOBULINEMIA 3; AGAMMAGLOBULINEMIA, AUTOSOMAL RECESSIVE, DUE TO CD79A DEFECT. Identifiers: MedGen C3150751, MONDO:0013288, OMIM 613501.

gnomAD v4.1: 3 of 1,605,888 alleles (0.00019%); highest among the groups gnomAD compares: Non-Finnish European, 0.00025%; no homozygotes.

Submission:

Labcorp Genetics (formerly Invitae), Labcorp
Classification: Uncertain significance for Agammaglobulinemia 3, autosomal recessive. Last evaluated: 2022-01-27. Review status: criteria provided, single submitter. Criteria: Invitae Variant Classification Sherloc (09022015). Collection method: clinical testing. Allele origin: germline.
Comment: In summary, the available evidence is currently insufficient to determine the role of this variant in disease. Therefore, it has been classified as a Variant of Uncertain Significance. Algorithms developed to predict the effect of missense changes on protein structure and function are either unavailable or do not agree on the potential impact of this missense change (SIFT: "Deleterious"; PolyPhen-2: "Probably Damaging"; Align-GVGD: "Class C0"). This variant has not been reported in the literature in individuals affected with CD79A-related conditions. This variant is not present in population databases (gnomAD no frequency). This sequence change replaces arginine, which is basic and polar, with glycine, which is neutral and non-polar, at codon 204 of the CD79A protein (p.Arg204Gly).

NM_001783.4(CD79A):c.610C>G (p.Arg204Gly)

Genes: CD79A (CD79a molecule; plus strand), RPS19-CD79A (RPS19-CD79A readthrough; plus strand). Cytogenetic location: 19q13.2.
Variant type: single nucleotide variant.
Coding change: c.610C>G on transcript NM_001783.4 (MANE Select); coding-DNA position 610, C replaced by G.
Protein change: p.Arg204Gly; replaces arginine 204 with glycine.
Molecular consequence: missense variant.
Genome position (GRCh38, 1-based): chr19:41,880,909, C>G. VCF-style: chr19-41880909-C-G. GRCh37 (hg19) VCF-style: chr19-42384976-C-G.
Other names: c.496C>G, p.Arg166Gly (NM_021601.4); short protein forms R166G, R204G.
Identifiers: ClinVar variation 1441901 (VCV001441901.8), dbSNP rs782417731, ClinGen allele CA406037859.
Genomic context (GRCh38, chr19:41,880,909, plus strand): 5'-GCCTCATTTCCATCCCAGGGCCTGAACCTGGACGACTGCTCCATGTATGAGGACATCTCC[C>G]GGGGCCTCCAGGGCACCTACCAGGATGTGGGCAGCCTCAACATAGGAGATGTCCAGCTGG-3'
Protein context (NP_001774.1, residues 194-214): DDCSMYEDIS[Arg204Gly]GLQGTYQDVG